The following is an entry in ClinVar:

NM_002474.3(MYH11):c.1852C>T (p.Leu618=)

Gene: MYH11 (myosin heavy chain 11; minus strand). Cytogenetic location: 16p13.11.
Variant type: single nucleotide variant.
Coding change: c.1852C>T on transcript NM_002474.3 (MANE Select); coding-DNA position 1852, C replaced by T.
Protein change: p.Leu618=; no amino-acid change (leucine 618 retained).
Molecular consequence: synonymous variant.
Genome position (GRCh38, 1-based): chr16:15,753,406, G>A on the plus strand (C>T on the coding strand, the complement: MYH11 is on the minus strand). VCF-style: chr16-15753406-G-A. GRCh37 (hg19) VCF-style: chr16-15847263-G-A.
Other names: c.1873C>T, p.Leu625= (NM_001040113.2, NM_001040114.2); c.1852C>T, p.Leu618= (NM_022844.3).
Identifiers: ClinVar variation 919452 (VCV000919452.6), dbSNP rs759239390, ClinGen allele CA7922496.

ClinVar aggregate classification (germline): Likely benign. Review status: criteria provided, multiple submitters, no conflicts (2 of 4 stars). 5 submissions from 5 submitters: Likely benign (4). 1 of the submissions does not count toward it. Last evaluated 2025-12-02.

Conditions:
Aortic aneurysm, familial thoracic 4 (AAT4). Also called: AORTIC ANEURYSM/AORTIC DISSECTION AND PATENT DUCTUS ARTERIOSUS. Identifiers: MedGen C1851504, MONDO:0007568, OMIM 132900.
Familial thoracic aortic aneurysm and aortic dissection (TAAD). Also called: Thoracic aortic aneurysms and dissections. Identifiers: Orphanet 91387, MedGen C4707243, MONDO:0019625.
MYH11-related disorder. Also called: MYH11-related condition.

Allele frequency attached by ClinVar (database versions not stated): gnomAD exomes below 0.00001; TOPMed below 0.00001; gnomAD 0.00001; ExAC 0.00002.
gnomAD v4.1: 7 of 1,613,926 alleles (0.00043%); highest among the groups gnomAD compares: Non-Finnish European, 0.00051%; no homozygotes.

Submissions (5):

Labcorp Genetics (formerly Invitae), Labcorp
Classification: Likely benign for Aortic aneurysm, familial thoracic 4. Last evaluated: 2025-12-02. Review status: criteria provided, single submitter. Criteria: Invitae Variant Classification Sherloc (09022015). Collection method: clinical testing. Allele origin: germline.

All of Us Research Program, National Institutes of Health
Classification: Likely benign for Familial thoracic aortic aneurysm and aortic dissection. Last evaluated: 2023-11-20. Review status: criteria provided, single submitter. Criteria: ACMG Guidelines, 2015. Collection method: clinical testing. Allele origin: germline. Inheritance: Autosomal dominant inheritance. Observed: 5 variant alleles, 5 heterozygotes.
Comment: This study involves interpretation of variants in research participants for the purpose of population health screening. Participant phenotype was not available at the time of variant classification. Additional details can be found in publication PMID: 35346344, PMCID: PMC8962531

Women's Health and Genetics/Laboratory Corporation of America, LabCorp
Classification: Likely benign. Last evaluated: 2020-01-31. Review status: criteria provided, single submitter. Criteria: LabCorp Variant Classification Summary - May 2015. Collection method: clinical testing. Allele origin: germline.

Color Diagnostics, LLC DBA Color Health
Classification: Likely benign for Familial thoracic aortic aneurysm and aortic dissection. Last evaluated: 2019-11-16. Review status: criteria provided, single submitter. Criteria: ACMG Guidelines, 2015. Collection method: clinical testing. Allele origin: germline.

PreventionGenetics, part of Exact Sciences
Classification: Likely benign for MYH11-related condition. Last evaluated: 2024-09-23. Review status: no assertion criteria provided. Collection method: clinical testing. Allele origin: germline. Not counted in ClinVar's aggregate classification.
Comment: This variant is classified as likely benign based on ACMG/AMP sequence variant interpretation guidelines (Richards et al. 2015 PMID: 25741868, with internal and published modifications).